The following is an entry in ClinVar:

NM_032620.4(GTPBP3):c.964G>C (p.Ala322Pro)

Gene: GTPBP3 (GTP binding protein 3, mitochondrial; plus strand). Cytogenetic location: 19p13.11.
Variant type: single nucleotide variant.
Coding change: c.964G>C on transcript NM_032620.4 (MANE Select); coding-DNA position 964, G replaced by C.
Protein change: p.Ala322Pro; replaces alanine 322 with proline.
Molecular consequence: missense variant.
Genome position (GRCh38, 1-based): chr19:17,339,589, G>C. VCF-style: chr19-17339589-G-C. GRCh37 (hg19) VCF-style: chr19-17450398-G-C.
Other names: c.964G>C, p.Ala322Pro (NM_001128855.3); c.1030G>C, p.Ala344Pro (NM_001195422.1); c.1060G>C, p.Ala354Pro (NM_133644.4); short protein forms A322P, A344P, A354P.
Identifiers: ClinVar variation 180617 (VCV000180617.12), dbSNP rs372174278, ClinGen allele CA185919.
Genomic context (GRCh38, chr19:17,339,589, plus strand): 5'-AGCGACACGGCTGGGTTGCGGGAGGGCGTGGGGCCCGTGGAGCAGGAGGGCGTGCGGCGC[G>C]CCCGGGAGAGGTGGGCGGACAGGGTGGTGATGGGAGGGGAACGCGGGGCCCTTTCTCTGC-3'
Protein context (NP_116009.2, residues 312-332): GPVEQEGVRR[Ala322Pro]RERLEQADLI

ClinVar aggregate classification (germline): Conflicting classifications of pathogenicity. Review status: criteria provided, conflicting classifications (1 of 4 stars). 5 submissions from 5 submitters: Likely pathogenic (2); Uncertain significance (2). 1 of the submissions does not count toward it. Last evaluated 2026-09-02.

Conditions:
GTPBP3-related disorders.
Combined oxidative phosphorylation defect type 23. Also called: Combined oxidative phosphorylation deficiency 23. Identifiers: Orphanet 444013, MedGen C5567743, MONDO:0014525, OMIM 616198.

Allele frequency attached by ClinVar (database versions not stated): ESP Exome Variant Server 0.00008; gnomAD 0.00009; TOPMed 0.00009.
gnomAD v4.1: 147 of 1,605,234 alleles (0.0092%); highest among the groups gnomAD compares: Middle Eastern, 0.017%; no homozygotes.

Submissions (5):

GeneDx
Classification: Likely pathogenic. Last evaluated: 2026-09-02. Review status: criteria provided, single submitter. Criteria: GeneDx Variant Classification Process June 2021. Collection method: clinical testing. Allele origin: germline.
Comment: Published functional studies found this variant is associated with reduced of GTPase activity and impaired tRNA modification (PMID: 33619562); Also known as A322P; In silico analysis supports that this missense variant has a deleterious effect on protein structure/function; This variant is associated with the following publications: (PMID: 38515655, 26832457, 34426522, 36980825, 38327089, 33619562, 25434004)

Blueprint Genetics
Classification: Likely pathogenic for GTPBP3-related disorders. Last evaluated: 2023-10-11. Review status: criteria provided, single submitter. Criteria: ACMG Guidelines, 2015. Collection method: clinical testing. Allele origin: germline. Affected: yes. Observed: 5 variant alleles.

Labcorp Genetics (formerly Invitae), Labcorp
Classification: Uncertain significance. Last evaluated: 2022-07-22. Review status: criteria provided, single submitter. Criteria: Invitae Variant Classification Sherloc (09022015). Collection method: clinical testing. Allele origin: germline.
Comment: This sequence change replaces alanine, which is neutral and non-polar, with proline, which is neutral and non-polar, at codon 354 of the GTPBP3 protein (p.Ala354Pro). This variant is present in population databases (rs372174278, gnomAD 0.02%). This missense change has been observed in individual(s) with clinical features of combined oxidative phosphorylation deficiency (PMID: 25434004). This variant is also known as p.Ala322Pro. ClinVar contains an entry for this variant (Variation ID: 180617). Algorithms developed to predict the effect of missense changes on protein structure and function are either unavailable or do not agree on the potential impact of this missense change (SIFT: "Deleterious"; PolyPhen-2: "Probably Damaging"; Align-GVGD: "Class C0"). Experimental studies have shown that this missense change affects GTPBP3 function (PMID: 33619562). In summary, the available evidence is currently insufficient to determine the role of this variant in disease. Therefore, it has been classified as a Variant of Uncertain Significance.

Centre for Mendelian Genomics, University Medical Centre Ljubljana
Classification: Uncertain significance for Combined oxidative phosphorylation defect type 23. Last evaluated: 2019-12-12. Review status: criteria provided, single submitter. Criteria: ACMG Guidelines, 2015. Collection method: clinical testing. Allele origin: unknown. Affected: yes.
Comment: This variant was classified as: Uncertain significance. The available evidence on this variant's pathogenicity is insufficient or conflicting. The following ACMG criteria were applied in classifying this variant: PP3,PP5,BP6.

OMIM
Classification: Pathogenic for COMBINED OXIDATIVE PHOSPHORYLATION DEFICIENCY 23. Last evaluated: 2014-12-04. Review status: no assertion criteria provided. Collection method: literature only. Allele origin: germline. Not counted in ClinVar's aggregate classification.

Literature cited by the submitters: PubMed 25434004 (cited by Labcorp Genetics (formerly Invitae), Labcorp and OMIM); PubMed 33619562 (cited by Labcorp Genetics (formerly Invitae), Labcorp).